The following is an entry in ClinVar:

ClinVar aggregate classification (germline): Conflicting classifications of pathogenicity. Review status: criteria provided, conflicting classifications (1 of 4 stars). 8 submissions from 8 submitters: Uncertain significance (1); Benign (1); Likely benign (6). Last evaluated 2026-01-28.

Conditions:
Cardiovascular phenotype. Identifiers: MedGen CN230736.
Alstrom syndrome (ALMS). Identifiers: Orphanet 64, MedGen C0268425, MONDO:0008763, OMIM 203800.

Allele frequency attached by ClinVar (database versions not stated): TOPMed 0.00023; ESP Exome Variant Server 0.00025; gnomAD exomes 0.00034 and 0.00051; ExAC 0.00037; gnomAD 0.00041 and 0.00042.
gnomAD v4.1: 562 of 1,613,902 alleles (0.035%); highest among the groups gnomAD compares: Non-Finnish European, 0.022%; no homozygotes.

Submissions (8):

Labcorp Genetics (formerly Invitae), Labcorp
Classification: Benign for Alstrom syndrome. Last evaluated: 2026-01-28. Review status: criteria provided, single submitter. Criteria: Invitae Variant Classification Sherloc (09022015). Collection method: clinical testing. Allele origin: germline.

CeGaT Center for Human Genetics Tuebingen
Classification: Likely benign. Last evaluated: 2025-11-01. Review status: criteria provided, single submitter. Criteria: CeGaT Center For Human Genetics Tuebingen Variant Classification Criteria Version 2. Collection method: clinical testing. Allele origin: germline. Affected: yes. Observed: 5 variant alleles.
Comment: ALMS1: BP4, BP7

Laboratory of Genetics, Children's Clinical University Hospital Latvia
Classification: Likely benign. Last evaluated: 2025-02-16. Review status: criteria provided, single submitter. Criteria: ACMG Guidelines, 2015. Collection method: clinical testing. Allele origin: germline. Affected: yes.

Blueprint Genetics
Classification: Likely benign. Last evaluated: 2024-04-12. Review status: criteria provided, single submitter. Criteria: ACMG Guidelines, 2015. Collection method: clinical testing. Allele origin: germline.

Ambry Genetics
Classification: Likely benign for Cardiovascular phenotype. Last evaluated: 2020-02-14. Review status: criteria provided, single submitter. Criteria: Ambry Variant Classification Scheme 2023. Collection method: clinical testing. Allele origin: germline.

Women's Health and Genetics/Laboratory Corporation of America, LabCorp
Classification: Likely benign. Last evaluated: 2019-11-16. Review status: criteria provided, single submitter. Criteria: LabCorp Variant Classification Summary - May 2015. Collection method: clinical testing. Allele origin: germline.

GeneDx
Classification: Likely benign. Last evaluated: 2018-06-08. Review status: criteria provided, single submitter. Criteria: GeneDx Variant Classification Process June 2021. Collection method: clinical testing. Allele origin: germline. Affected: yes.

Eurofins Ntd Llc (ga)
Classification: Uncertain significance. Last evaluated: 2018-03-27. Review status: criteria provided, single submitter. Criteria: EGL ClinVar v180209 classification definitions. Collection method: clinical testing. Allele origin: germline. Observed: 1 variant allele, 1 heterozygote.

NM_001378454.1(ALMS1):c.12438G>T (p.Arg4146=)

Gene: ALMS1 (ALMS1 centrosome and basal body associated protein; plus strand). Cytogenetic location: 2p13.1.
Variant type: single nucleotide variant.
Coding change: c.12438G>T on transcript NM_001378454.1 (MANE Select); coding-DNA position 12438, G replaced by T.
Protein change: p.Arg4146=; no amino-acid change (arginine 4146 retained).
Molecular consequence: synonymous variant.
Genome position (GRCh38, 1-based): chr2:73,608,550, G>T. VCF-style: chr2-73608550-G-T. GRCh37 (hg19) VCF-style: chr2-73835677-G-T.
Other names: c.12441G>T, p.Arg4147= (NM_015120.4).
Identifiers: ClinVar variation 390350 (VCV000390350.54), dbSNP rs35902379, ClinGen allele CA1715579.